The following is an entry in ClinVar:

NM_002972.4(SBF1):c.5673G>A (p.Ser1891=)

Gene: SBF1 (SET binding factor 1; minus strand). Cytogenetic location: 22q13.33.
Variant type: single nucleotide variant.
Coding change: c.5673G>A on transcript NM_002972.4 (MANE Select); coding-DNA position 5673, G replaced by A.
Protein change: p.Ser1891=; no amino-acid change (serine 1891 retained).
Molecular consequence: synonymous variant.
Genome position (GRCh38, 1-based): chr22:50,447,151, C>T on the plus strand (G>A on the coding strand, the complement: SBF1 is on the minus strand). VCF-style: chr22-50447151-C-T. GRCh37 (hg19) VCF-style: chr22-50885580-C-T.
Other names: c.5598G>A, p.Ser1866= (NM_001365819.1).
Identifiers: ClinVar variation 739996 (VCV000739996.32), dbSNP rs767764447, ClinGen allele CA10315726.

ClinVar aggregate classification (germline): Likely benign. Review status: criteria provided, multiple submitters, no conflicts (2 of 4 stars). 2 submissions from 2 submitters: Likely benign (2). Last evaluated 2025-11-09.

Allele frequency attached by ClinVar (database versions not stated): gnomAD 0.00009 and 0.00008; ExAC 0.00004; gnomAD exomes 0.00006; TOPMed 0.00007.
gnomAD v4.1: 96 of 1,612,016 alleles (0.006%); highest among the groups gnomAD compares: Middle Eastern, 0.034%; no homozygotes.

Submissions (2):

Labcorp Genetics (formerly Invitae), Labcorp
Classification: Likely benign. Last evaluated: 2025-11-09. Review status: criteria provided, single submitter. Criteria: Invitae Variant Classification Sherloc (09022015). Collection method: clinical testing. Allele origin: germline.

CeGaT Center for Human Genetics Tuebingen
Classification: Likely benign. Last evaluated: 2024-06-01. Review status: criteria provided, single submitter. Criteria: CeGaT Center For Human Genetics Tuebingen Variant Classification Criteria Version 2. Collection method: clinical testing. Allele origin: germline. Affected: yes. Observed: 3 variant alleles.
Comment: SBF1: BP4, BP7